The following is an entry in ClinVar:

NM_004646.4(NPHS1):c.2428dup (p.Gln810fs)

Gene: NPHS1 (NPHS1 adhesion molecule, nephrin; minus strand). Cytogenetic location: 19q13.12.
Variant type: Duplication.
Coding change: c.2428dup on transcript NM_004646.4 (MANE Select); coding-DNA position 2428, one base duplicated (C; older notation c.2428dupC).
Protein change: p.Gln810fs; shifts the reading frame from glutamine 810.
Molecular consequence: frameshift variant.
Genome position (GRCh38, 1-based): chr19:35,842,457, G duplicated on the plus strand (C on the coding strand, the reverse complement: NPHS1 is on the minus strand); the first of 3 consecutive G bases (chr19:35,842,457-35,842,459); duplicating any one gives the same sequence. VCF-style (leftmost placement, unchanged base first): chr19-35842456-T-TG. GRCh37 (hg19) VCF-style: chr19-36333358-T-TG.
Other names: short protein forms Q810fs.
Identifiers: ClinVar variation 5012248 (VCV005012248.1).
Genomic context (GRCh38, chr19:35,842,456, plus strand): 5'-AGCAGCCGTCGTGCTGGAGGCGCCACCCCATTGTCCACAATGCACTGGTAAGCGCCAGCC[T>TG]GGGCCAGTTTGGCATGGTGAATCCGCAGGCGCCCCGTTGGTCCCCTGGATATCTTCTCCA-3'

ClinVar aggregate classification (germline): Pathogenic (1 of 4 stars; one submission).

Conditions:
Finnish congenital nephrotic syndrome (NPHS1). Also called: NEPHROTIC SYNDROME, TYPE 1. Identifiers: Orphanet 839, MedGen C0403399, MONDO:0009732, OMIM 256300.

Submission:

Myriad Genetics, Inc.
Classification: Pathogenic for Finnish congenital nephrotic syndrome. Last evaluated: 2023-09-27. Review status: criteria provided, single submitter. Criteria: Myriad Autosomal Dominant, Autosomal Recessive and X-Linked Classification Criteria (2023). Collection method: clinical testing. Allele origin: unknown.
Comment: NM_004646.3(NPHS1):c.2428dupC(Q810Pfs*39) is expected to be pathogenic in the context of nephrotic syndrome, NPHS1-related. This variant is predicted to lead to an abnormal or absent protein product due to the creation of a premature termination codon in NPHS1, a gene where loss-of-function variants are known to be pathogenic. Please note: this variant was assessed in the context of healthy population screening.